The following is an entry in ClinVar:

ClinVar aggregate classification (germline): Uncertain significance (1 of 4 stars; one submission).

Allele frequency attached by ClinVar (database versions not stated): gnomAD exomes below 0.00001; gnomAD 0.00003 and 0.00004; TOPMed 0.00003.
gnomAD v4.1: 11 of 1,613,676 alleles (0.00068%); highest among the groups gnomAD compares: African/African-American, 0.008%; no homozygotes.

Submission:

Labcorp Genetics (formerly Invitae), Labcorp
Classification: Uncertain significance. Last evaluated: 2022-08-09. Review status: criteria provided, single submitter. Criteria: Invitae Variant Classification Sherloc (09022015). Collection method: clinical testing. Allele origin: germline.
Comment: This sequence change replaces aspartic acid, which is acidic and polar, with glycine, which is neutral and non-polar, at codon 152 of the MYO18B protein (p.Asp152Gly). This variant is present in population databases (rs764715379, gnomAD 0.01%). This variant has not been reported in the literature in individuals affected with MYO18B-related conditions. ClinVar contains an entry for this variant (Variation ID: 1379601). Algorithms developed to predict the effect of missense changes on protein structure and function are either unavailable or do not agree on the potential impact of this missense change (SIFT: "Not Available"; PolyPhen-2: "Probably Damaging"; Align-GVGD: "Not Available"). In summary, the available evidence is currently insufficient to determine the role of this variant in disease. Therefore, it has been classified as a Variant of Uncertain Significance.

NM_032608.7(MYO18B):c.455A>G (p.Asp152Gly)

Gene: MYO18B (myosin XVIIIB; plus strand). Cytogenetic location: 22q12.1.
Variant type: single nucleotide variant.
Coding change: c.455A>G on transcript NM_032608.7 (MANE Select); coding-DNA position 455, A replaced by G.
Protein change: p.Asp152Gly; replaces aspartic acid 152 with glycine.
Molecular consequence: missense variant.
Genome position (GRCh38, 1-based): chr22:25,768,371, A>G. VCF-style: chr22-25768371-A-G. GRCh37 (hg19) VCF-style: chr22-26164338-A-G.
Other names: c.455A>G, p.Asp152Gly (NM_001318245.2); short protein forms D152G.
Identifiers: ClinVar variation 1379601 (VCV001379601.5), dbSNP rs764715379, ClinGen allele CA10159593.